The following is an entry in ClinVar:

NM_000329.3(RPE65):c.1115T>C (p.Leu372Ser)

Gene: RPE65 (retinoid isomerohydrolase RPE65; minus strand). Cytogenetic location: 1p31.3.
Variant type: single nucleotide variant.
Coding change: c.1115T>C on transcript NM_000329.3 (MANE Select); coding-DNA position 1115, T replaced by C.
Protein change: p.Leu372Ser; replaces leucine 372 with serine.
Molecular consequence: missense variant.
Genome position (GRCh38, 1-based): chr1:68,438,200, A>G on the plus strand (T>C on the coding strand, the complement: RPE65 is on the minus strand). VCF-style: chr1-68438200-A-G. GRCh37 (hg19) VCF-style: chr1-68903883-A-G.
Other names: c.1007T>C, p.Leu336Ser (NM_001406853.1); c.839T>C, p.Leu280Ser (NM_001406856.1, NM_001406857.1); c.1115T>C, p.Leu372Ser (NM_001406859.1); c.1115T>C (NM_000329.2); short protein forms L336S, L372S, L280S.
Identifiers: ClinVar variation 2157009 (VCV002157009.2), dbSNP rs747033834, ClinGen allele CA902291.

ClinVar aggregate classification (germline): Uncertain significance. Review status: criteria provided, multiple submitters, no conflicts (2 of 4 stars). 2 submissions from 2 submitters: Uncertain significance (2). Last evaluated 2026-07-07.

Conditions:
Inborn genetic diseases. Identifiers: MedGen C0950123, MeSH D030342.
Leber congenital amaurosis 2 (LCA2). Also called: AMAUROSIS CONGENITA OF LEBER II; Autosomal Recessive RPE65-Related Retinal Degeneration. Identifiers: Orphanet 65, MedGen C1859844, MONDO:0008765, OMIM 204100. Disease mechanism: loss of function.
Retinitis pigmentosa 20 (RP20). Identifiers: Orphanet 791, MedGen C3151086, MONDO:0013425, OMIM 613794.

Allele frequency attached by ClinVar (database versions not stated): gnomAD 0.00001; TOPMed 0.00001; ExAC 0.00001.
gnomAD v4.1: 1 of 1,613,854 alleles (0.000062%); highest among the groups gnomAD compares: African/African-American, 0.0013%; no homozygotes.

Submissions (2):

Ambry Genetics
Classification: Uncertain significance for Inborn genetic diseases. Last evaluated: 2026-07-07. Review status: criteria provided, single submitter. Criteria: Ambry Variant Classification Scheme 2023. Collection method: clinical testing. Allele origin: germline.
Comment: The p.L372S variant (also known as c.1115T>C), located in coding exon 10 of the RPE65 gene, results from a T to C substitution at nucleotide position 1115. The leucine at codon 372 is replaced by serine, an amino acid with dissimilar properties. This amino acid position is conserved. In addition, this alteration is predicted to be deleterious by in silico analysis. Based on the available evidence, the clinical significance of this variant remains unclear.

Labcorp Genetics (formerly Invitae), Labcorp
Classification: Uncertain significance for Leber congenital amaurosis 2; Retinitis pigmentosa 20. Last evaluated: 2022-02-27. Review status: criteria provided, single submitter. Criteria: Invitae Variant Classification Sherloc (09022015). Collection method: clinical testing. Allele origin: germline.
Comment: This sequence change replaces leucine, which is neutral and non-polar, with serine, which is neutral and polar, at codon 372 of the RPE65 protein (p.Leu372Ser). This variant is present in population databases (rs747033834, gnomAD 0.007%). This variant has not been reported in the literature in individuals affected with RPE65-related conditions. Algorithms developed to predict the effect of missense changes on protein structure and function are either unavailable or do not agree on the potential impact of this missense change (SIFT: "Tolerated"; PolyPhen-2: "Probably Damaging"; Align-GVGD: "Class C0"). Algorithms developed to predict the effect of sequence changes on RNA splicing suggest that this variant may create or strengthen a splice site. In summary, the available evidence is currently insufficient to determine the role of this variant in disease. Therefore, it has been classified as a Variant of Uncertain Significance.